The following is an entry in ClinVar:

ClinVar aggregate classification (germline): Uncertain significance. Review status: criteria provided, multiple submitters, no conflicts (2 of 4 stars). 2 submissions from 2 submitters: Uncertain significance (2). Last evaluated 2024-09-30.

Conditions:
Congenital glucose-galactose malabsorption (GGM). Also called: DIARRHEA 16; MONOSACCHARIDE MALABSORPTION. Identifiers: Orphanet 35710, MedGen C0268186, MONDO:0011731, OMIM 606824.

gnomAD v4.1: 6 of 1,612,700 alleles (0.00037%); highest among the groups gnomAD compares: African/African-American, 0.0013%; no homozygotes.

Submissions (2):

Labcorp Genetics (formerly Invitae), Labcorp
Classification: Uncertain significance for Congenital glucose-galactose malabsorption. Last evaluated: 2024-09-30. Review status: criteria provided, single submitter. Criteria: Invitae Variant Classification Sherloc (09022015). Collection method: clinical testing. Allele origin: germline.
Comment: This sequence change replaces serine, which is neutral and polar, with leucine, which is neutral and non-polar, at codon 164 of the SLC5A1 protein (p.Ser164Leu). This variant is present in population databases (rs775315224, gnomAD 0.003%). This variant has not been reported in the literature in individuals affected with SLC5A1-related conditions. Invitae Evidence Modeling of protein sequence and biophysical properties (such as structural, functional, and spatial information, amino acid conservation, physicochemical variation, residue mobility, and thermodynamic stability) indicates that this missense variant is expected to disrupt SLC5A1 protein function with a positive predictive value of 80%. In summary, the available evidence is currently insufficient to determine the role of this variant in disease. Therefore, it has been classified as a Variant of Uncertain Significance.

Fulgent Genetics
Classification: Uncertain significance for Congenital glucose-galactose malabsorption. Last evaluated: 2024-02-04. Review status: criteria provided, single submitter. Criteria: ACMG Guidelines, 2015. Collection method: clinical testing. Allele origin: germline.

NM_000343.4(SLC5A1):c.491C>T (p.Ser164Leu)

Gene: SLC5A1 (solute carrier family 5 member 1; plus strand). Cytogenetic location: 22q12.3.
Variant type: single nucleotide variant.
Coding change: c.491C>T on transcript NM_000343.4 (MANE Select); coding-DNA position 491, C replaced by T.
Protein change: p.Ser164Leu; replaces serine 164 with leucine.
Molecular consequence: missense variant.
Genome position (GRCh38, 1-based): chr22:32,081,879, C>T. VCF-style: chr22-32081879-C-T. GRCh37 (hg19) VCF-style: chr22-32477866-C-T.
Other names: c.110C>T, p.Ser37Leu (NM_001256314.2); short protein forms S164L, S37L.
Identifiers: ClinVar variation 3587892 (VCV003587892.3).